The following is an entry in ClinVar:

ClinVar aggregate classification (germline): Benign/Likely benign. Review status: criteria provided, multiple submitters, no conflicts (2 of 4 stars). 5 submissions from 5 submitters: Benign (1); Likely benign (3). 1 of the submissions does not count toward it. Last evaluated 2025-12-20.

Conditions:
Cardiovascular phenotype. Identifiers: MedGen CN230736.
Duchenne muscular dystrophy (DMD). Also called: MUSCULAR DYSTROPHY, PSEUDOHYPERTROPHIC PROGRESSIVE, DUCHENNE TYPE; Duchenne Muscular Dystrophy (DMD). Identifiers: Orphanet 98896, MedGen C0013264, MONDO:0010679, OMIM 310200.
Dystrophin deficiency.
Becker muscular dystrophy (BMD). Also called: Becker Muscular Dystrophy (BMD); MUSCULAR DYSTROPHY, PSEUDOHYPERTROPHIC PROGRESSIVE, BECKER TYPE. Identifiers: Orphanet 98895, MedGen C0917713, MONDO:0010311, OMIM 300376.
Cardiomyopathy (CMYO). Also called: Cardiomyopathies. Identifiers: Orphanet 167848, MedGen C0878544, MONDO:0004994, HP:0001638. Inheritance: Various modes of inheritance.

Allele frequency attached by ClinVar (database versions not stated): gnomAD below 0.00001 and 0.00005; ExAC 0.00014; gnomAD exomes 0.00014; 1000 Genomes Project 30x 0.00042; 1000 Genomes Project 0.00053.
gnomAD v4.1: 78 of 1,205,347 alleles (0.0065%); highest among the groups gnomAD compares: South Asian, 0.14%; no homozygotes.

Submissions (5):

Labcorp Genetics (formerly Invitae), Labcorp
Classification: Benign for Duchenne muscular dystrophy. Last evaluated: 2025-12-20. Review status: criteria provided, single submitter. Criteria: Invitae Variant Classification Sherloc (09022015). Collection method: clinical testing. Allele origin: germline.

Blueprint Genetics
Classification: Likely benign. Last evaluated: 2024-03-25. Review status: criteria provided, single submitter. Criteria: ACMG Guidelines, 2015. Collection method: clinical testing. Allele origin: germline.

Ambry Genetics
Classification: Likely benign for Cardiovascular phenotype. Last evaluated: 2023-10-16. Review status: criteria provided, single submitter. Criteria: Ambry Variant Classification Scheme 2023. Collection method: clinical testing. Allele origin: germline.

GeneDx
Classification: Likely benign. Last evaluated: 2016-12-22. Review status: criteria provided, single submitter. Criteria: GeneDx Variant Classification (06012015). Collection method: clinical testing. Allele origin: germline. Affected: yes.
Comment: This variant is considered likely benign or benign based on one or more of the following criteria: it is a conservative change, it occurs at a poorly conserved position in the protein, it is predicted to be benign by multiple in silico algorithms, and/or has population frequency not consistent with disease.

Natera, Inc.
Classification: Likely benign for Becker muscular dystrophy; Cardiomyopathy; Duchenne muscular dystrophy; Dystrophin deficiency. Last evaluated: 2019-07-02. Review status: no assertion criteria provided. Collection method: clinical testing. Allele origin: germline. Not counted in ClinVar's aggregate classification.

NM_004006.3(DMD):c.1378T>C (p.Leu460=)

Gene: DMD (dystrophin; minus strand). Cytogenetic location: Xp21.1.
Variant type: single nucleotide variant.
Coding change: c.1378T>C on transcript NM_004006.3 (MANE Select); coding-DNA position 1378, T replaced by C.
Protein change: p.Leu460=; no amino-acid change (leucine 460 retained).
Molecular consequence: synonymous variant.
Genome position (GRCh38, 1-based): chrX:32,614,407, A>G on the plus strand (T>C on the coding strand, the complement: DMD is on the minus strand). VCF-style: chrX-32614407-A-G. GRCh37 (hg19) VCF-style: chrX-32632524-A-G.
Other names: c.1354T>C, p.Leu452= (NM_000109.4); c.1366T>C, p.Leu456= (NM_004009.3); c.1009T>C, p.Leu337= (NM_004010.3).
Identifiers: ClinVar variation 392072 (VCV000392072.15), dbSNP rs746640758, ClinGen allele CA10379868.